The following is an entry in ClinVar:

NM_006947.4(SRP72):c.344A>G (p.Tyr115Cys)

Gene: SRP72 (signal recognition particle 72; plus strand). Cytogenetic location: 4q12.
Variant type: single nucleotide variant.
Coding change: c.344A>G on transcript NM_006947.4 (MANE Select); coding-DNA position 344, A replaced by G.
Protein change: p.Tyr115Cys; replaces tyrosine 115 with cysteine.
Molecular consequence: missense variant. On other transcripts: non-coding transcript variant (1).
Genome position (GRCh38, 1-based): chr4:56,471,833, A>G. VCF-style: chr4-56471833-A-G. GRCh37 (hg19) VCF-style: chr4-57337999-A-G.
Other names: c.344A>G, p.Tyr115Cys (NM_001267722.2); short protein forms Y115C.
Identifiers: ClinVar variation 4865118 (VCV004865118.1).

ClinVar aggregate classification (germline): Uncertain significance (1 of 4 stars; one submission).

Submission:

Ambry Genetics
Classification: Uncertain significance. Last evaluated: 2026-03-29. Review status: criteria provided, single submitter. Criteria: Ambry Variant Classification Scheme 2023. Collection method: clinical testing. Allele origin: germline.
Comment: The p.Y115C variant (also known as c.344A>G), located in coding exon 3 of the SRP72 gene, results from an A to G substitution at nucleotide position 344. The tyrosine at codon 115 is replaced by cysteine, an amino acid with highly dissimilar properties. This amino acid position is conserved. In addition, the in silico prediction for this alteration is inconclusive. Based on the available evidence, the clinical significance of this variant remains unclear.